The following is an entry in ClinVar:

NM_004006.3(DMD):c.8333G>T (p.Arg2778Leu)

Gene: DMD (dystrophin; minus strand). Cytogenetic location: Xp21.1.
Variant type: single nucleotide variant.
Coding change: c.8333G>T on transcript NM_004006.3 (MANE Select); coding-DNA position 8333, G replaced by T.
Protein change: p.Arg2778Leu; replaces arginine 2778 with leucine.
Molecular consequence: missense variant.
Genome position (GRCh38, 1-based): chrX:31,507,338, C>A on the plus strand (G>T on the coding strand, the complement: DMD is on the minus strand). VCF-style: chrX-31507338-C-A. GRCh37 (hg19) VCF-style: chrX-31525455-C-A.
Other names: c.8309G>T, p.Arg2770Leu (NM_000109.4); c.8321G>T, p.Arg2774Leu (NM_004009.3); c.7964G>T, p.Arg2655Leu (NM_004010.3); c.4310G>T, p.Arg1437Leu (NM_004011.4); c.4301G>T, p.Arg1434Leu (NM_004012.4); c.953G>T, p.Arg318Leu (NM_004013.3, NM_004020.4, NM_004021.3 and 2 more transcripts); c.146G>T, p.Arg49Leu (NM_004014.3); short protein forms R2655L, R1434L, R49L, R1437L, R2774L, R2778L, R2770L, R318L.
Identifiers: ClinVar variation 2193666 (VCV002193666.4), dbSNP rs2071050854, ClinGen allele CA412656194.

ClinVar aggregate classification (germline): Uncertain significance (1 of 4 stars; one submission).

Conditions:
Duchenne muscular dystrophy (DMD). Also called: MUSCULAR DYSTROPHY, PSEUDOHYPERTROPHIC PROGRESSIVE, DUCHENNE TYPE; Duchenne Muscular Dystrophy (DMD). Identifiers: Orphanet 98896, MedGen C0013264, MONDO:0010679, OMIM 310200.

Submission:

Labcorp Genetics (formerly Invitae), Labcorp
Classification: Uncertain significance for Duchenne muscular dystrophy. Last evaluated: 2022-02-06. Review status: criteria provided, single submitter. Criteria: Invitae Variant Classification Sherloc (09022015). Collection method: clinical testing. Allele origin: germline.
Comment: This sequence change replaces arginine, which is basic and polar, with leucine, which is neutral and non-polar, at codon 2778 of the DMD protein (p.Arg2778Leu). This variant is not present in population databases (gnomAD no frequency). This variant has not been reported in the literature in individuals affected with DMD-related conditions. Algorithms developed to predict the effect of missense changes on protein structure and function are either unavailable or do not agree on the potential impact of this missense change (SIFT: "Deleterious"; PolyPhen-2: "Benign"; Align-GVGD: "Class C65"). In summary, the available evidence is currently insufficient to determine the role of this variant in disease. Therefore, it has been classified as a Variant of Uncertain Significance.